The following is an entry in ClinVar:

NM_016169.4(SUFU):c.74C>T (p.Ala25Val)

Genes: SUFU (SUFU negative regulator of hedgehog signaling; plus strand), LOC130004614 (ATAC-STARR-seq lymphoblastoid silent region 2764; plus strand). Cytogenetic location: 10q24.32.
Variant type: single nucleotide variant.
Coding change: c.74C>T on transcript NM_016169.4 (MANE Select); coding-DNA position 74, C replaced by T.
Protein change: p.Ala25Val; replaces alanine 25 with valine.
Molecular consequence: missense variant.
Genome position (GRCh38, 1-based): chr10:102,504,226, C>T. VCF-style: chr10-102504226-C-T. GRCh37 (hg19) VCF-style: chr10-104263983-C-T.
Other names: c.74C>T, p.Ala25Val (NM_001178133.2); short protein forms A25V.
Identifiers: ClinVar variation 1041009 (VCV001041009.12), dbSNP rs2062291323, ClinGen allele CA377886358.

ClinVar aggregate classification (germline): Uncertain significance. Review status: criteria provided, multiple submitters, no conflicts (2 of 4 stars). 2 submissions from 2 submitters: Uncertain significance (2). Last evaluated 2025-02-19.

Conditions:
Medulloblastoma (MDB). Also called: MEDULLOBLASTOMA PREDISPOSITION SYNDROME; Medulloblastoma, somatic. Identifiers: Orphanet 616, MedGen C0025149, MeSH D008527, MONDO:0007959, OMIM 155255, HP:0002885.
Gorlin syndrome. Also called: Nevoid Basal Cell Carcinoma Syndrome; Basal cell nevus syndrome. Identifiers: Orphanet 377, MedGen C0004779, MONDO:0007187.
Hereditary cancer-predisposing syndrome. Also called: Hereditary neoplastic syndrome; Neoplastic Syndromes, Hereditary; Tumor predisposition; Hereditary Cancer Syndrome. Identifiers: Orphanet 140162, MedGen C0027672, MeSH D009386, MONDO:0015356.

Submissions (2):

Ambry Genetics
Classification: Uncertain significance for Hereditary cancer-predisposing syndrome. Last evaluated: 2025-02-19. Review status: criteria provided, single submitter. Criteria: Ambry Variant Classification Scheme 2023. Collection method: clinical testing. Allele origin: germline.
Comment: The p.A25V variant (also known as c.74C>T), located in coding exon 1 of the SUFU gene, results from a C to T substitution at nucleotide position 74. The alanine at codon 25 is replaced by valine, an amino acid with similar properties. This amino acid position is conserved. In addition, this alteration is predicted to be tolerated by in silico analysis. Since supporting evidence is limited at this time, the clinical significance of this alteration remains unclear.

Labcorp Genetics (formerly Invitae), Labcorp
Classification: Uncertain significance for Gorlin syndrome; Medulloblastoma. Last evaluated: 2022-08-09. Review status: criteria provided, single submitter. Criteria: Invitae Variant Classification Sherloc (09022015). Collection method: clinical testing. Allele origin: germline.
Comment: Algorithms developed to predict the effect of missense changes on protein structure and function are either unavailable or do not agree on the potential impact of this missense change (SIFT: "Deleterious"; PolyPhen-2: "Possibly Damaging"; Align-GVGD: "Class C0"). In summary, the available evidence is currently insufficient to determine the role of this variant in disease. Therefore, it has been classified as a Variant of Uncertain Significance. ClinVar contains an entry for this variant (Variation ID: 1041009). This variant has not been reported in the literature in individuals affected with SUFU-related conditions. This variant is not present in population databases (gnomAD no frequency). This sequence change replaces alanine, which is neutral and non-polar, with valine, which is neutral and non-polar, at codon 25 of the SUFU protein (p.Ala25Val).